The following is an entry in ClinVar:

NM_004525.3(LRP2):c.13326T>C (p.Ile4442=)

Gene: LRP2 (LDL receptor related protein 2; minus strand). Cytogenetic location: 2q31.1.
Variant type: single nucleotide variant.
Coding change: c.13326T>C on transcript NM_004525.3 (MANE Select); coding-DNA position 13326, T replaced by C.
Protein change: p.Ile4442=; no amino-acid change (isoleucine 4442 retained).
Molecular consequence: synonymous variant.
Genome position (GRCh38, 1-based): chr2:169,139,313, A>G on the plus strand (T>C on the coding strand, the complement: LRP2 is on the minus strand). VCF-style: chr2-169139313-A-G. GRCh37 (hg19) VCF-style: chr2-169995823-A-G.
Other names: c.13326T>C (NM_004525.2).
Identifiers: ClinVar variation 1462873 (VCV001462873.10), dbSNP rs141160195, ClinGen allele CA1952570.

ClinVar aggregate classification (germline): Likely benign. Review status: criteria provided, single submitter (1 of 4 stars). 2 submissions from 2 submitters: Likely benign (1). 1 of the submissions does not count toward it. Last evaluated 2025-12-22.

Conditions:
LRP2-related disorder. Also called: LRP2-related condition.

Allele frequency attached by ClinVar (database versions not stated): gnomAD exomes 0.00001 and 0.00002; ExAC 0.00004; gnomAD 0.00008 and 0.00009; TOPMed 0.00008; 1000 Genomes Project 30x 0.00016; 1000 Genomes Project 0.00020.
gnomAD v4.1: 33 of 1,614,204 alleles (0.002%); highest among the groups gnomAD compares: African/African-American, 0.025%; no homozygotes.

Submissions (2):

Labcorp Genetics (formerly Invitae), Labcorp
Classification: Likely benign. Last evaluated: 2025-12-22. Review status: criteria provided, single submitter. Criteria: Invitae Variant Classification Sherloc (09022015). Collection method: clinical testing. Allele origin: germline.

PreventionGenetics, part of Exact Sciences
Classification: Likely benign for LRP2-related condition. Last evaluated: 2022-04-25. Review status: no assertion criteria provided. Collection method: clinical testing. Allele origin: germline. Not counted in ClinVar's aggregate classification.
Comment: This variant is classified as likely benign based on ACMG/AMP sequence variant interpretation guidelines (Richards et al. 2015 PMID: 25741868, with internal and published modifications).